The following is an entry in ClinVar:

ClinVar aggregate classification (germline): Conflicting classifications of pathogenicity. Review status: criteria provided, conflicting classifications (1 of 4 stars). 3 submissions from 3 submitters: Uncertain significance (1); Likely benign (2). Last evaluated 2022-09-12.

Conditions:
Hereditary cancer-predisposing syndrome. Also called: Tumor predisposition; Hereditary neoplastic syndrome; Neoplastic Syndromes, Hereditary; Hereditary Cancer Syndrome. Identifiers: Orphanet 140162, MedGen C0027672, MeSH D009386, MONDO:0015356.

gnomAD v4.1: 1 of 1,614,172 alleles (0.000062%); highest among the groups gnomAD compares: Non-Finnish European, 0.000085%; no homozygotes.

Submissions (3):

Labcorp Genetics (formerly Invitae), Labcorp
Classification: Likely benign. Last evaluated: 2022-09-12. Review status: criteria provided, single submitter. Criteria: Invitae Variant Classification Sherloc (09022015). Collection method: clinical testing. Allele origin: germline.

Sema4
Classification: Uncertain significance for Hereditary cancer-predisposing syndrome. Last evaluated: 2022-03-13. Review status: criteria provided, single submitter. Criteria: Sema4 Curation Guidelines. Collection method: curation. Allele origin: germline.
Comment: The SMARCB1 c.558G>C (p.L186=) variant has not been reported in the literature to our knowledge. This variant is not reported in the population database Genome Aggregation Database (PMID 32461654). The variant has been reported in ClinVar (Variation ID 1077882). The nucleotide is moderately conserved and in silico tools suggest that this variant may not impact splicing, though these predictions have not been confirmed by functional studies. The evidence is insufficient to meet ACMG/AMP criteria for classifying the variant as benign or pathogenic. Thus, the clinical significance of this variant is currently uncertain.

Ambry Genetics
Classification: Likely benign for Hereditary cancer-predisposing syndrome. Last evaluated: 2019-09-05. Review status: criteria provided, single submitter. Criteria: Ambry Variant Classification Scheme 2023. Collection method: clinical testing. Allele origin: germline.

NM_003073.5(SMARCB1):c.558G>C (p.Leu186=)

Gene: SMARCB1 (SWI/SNF related BAF chromatin remodeling complex subunit B1; plus strand). Cytogenetic location: 22q11.23.
Variant type: single nucleotide variant.
Coding change: c.558G>C on transcript NM_003073.5 (MANE Select); coding-DNA position 558, G replaced by C.
Protein change: p.Leu186=; no amino-acid change (leucine 186 retained).
Molecular consequence: synonymous variant.
Genome position (GRCh38, 1-based): chr22:23,803,352, G>C. VCF-style: chr22-23803352-G-C. GRCh37 (hg19) VCF-style: chr22-24145539-G-C.
Other names: c.531G>C, p.Leu177= (NM_001007468.3); c.585G>C, p.Leu195= (NM_001317946.2); c.612G>C, p.Leu204= (NM_001362877.2).
Identifiers: ClinVar variation 1077882 (VCV001077882.12), dbSNP rs751914353, ClinGen allele CA322603754.